The following is an entry in ClinVar:

ClinVar aggregate classification (germline): Uncertain significance. Review status: criteria provided, multiple submitters, no conflicts (2 of 4 stars). 2 submissions from 2 submitters: Uncertain significance (2). Last evaluated 2023-08-22.

Conditions:
Fanconi anemia (FA). Also called: Fanconi's anemia. Identifiers: Orphanet 84, MedGen C0015625, MeSH D005199, MONDO:0019391.
Fanconi anemia complementation group F. Also called: FANCF-Related Fanconi Anemia. Identifiers: Orphanet 84, MedGen C3469526, MONDO:0011325, OMIM 603467.

Submissions (2):

Labcorp Genetics (formerly Invitae), Labcorp
Classification: Uncertain significance for Fanconi anemia. Last evaluated: 2023-08-22. Review status: criteria provided, single submitter. Criteria: Invitae Variant Classification Sherloc (09022015). Collection method: clinical testing. Allele origin: germline.
Comment: The frequency data for this variant in the population databases is considered unreliable, as metrics indicate poor data quality at this position in the gnomAD database. In summary, the available evidence is currently insufficient to determine the role of this variant in disease. Therefore, it has been classified as a Variant of Uncertain Significance. Advanced modeling of protein sequence and biophysical properties (such as structural, functional, and spatial information, amino acid conservation, physicochemical variation, residue mobility, and thermodynamic stability) performed at Invitae indicates that this missense variant is not expected to disrupt FANCF protein function. ClinVar contains an entry for this variant (Variation ID: 304202). This variant has not been reported in the literature in individuals affected with FANCF-related conditions. This sequence change replaces glutamic acid, which is acidic and polar, with glutamine, which is neutral and polar, at codon 183 of the FANCF protein (p.Glu183Gln).

Illumina Laboratory Services, Illumina
Classification: Uncertain significance for Fanconi anemia complementation group F. Last evaluated: 2018-01-12. Review status: criteria provided, single submitter. Criteria: ICSL Variant Classification Criteria 13 December 2019. Collection method: clinical testing. Allele origin: germline.

NM_022725.4(FANCF):c.547G>C (p.Glu183Gln)

Gene: FANCF (FA complementation group F; minus strand). Cytogenetic location: 11p14.3.
Variant type: single nucleotide variant.
Coding change: c.547G>C on transcript NM_022725.4 (MANE Select); coding-DNA position 547, G replaced by C.
Protein change: p.Glu183Gln; replaces glutamic acid 183 with glutamine.
Molecular consequence: missense variant.
Genome position (GRCh38, 1-based): chr11:22,625,264, C>G on the plus strand (G>C on the coding strand, the complement: FANCF is on the minus strand). VCF-style: chr11-22625264-C-G. GRCh37 (hg19) VCF-style: chr11-22646810-C-G.
Other names: short protein forms E183Q.
Identifiers: ClinVar variation 304202 (VCV000304202.9), dbSNP rs774728053, ClinGen allele CA10630686.